The following is an entry in ClinVar:

ClinVar aggregate classification (germline): Uncertain significance (1 of 4 stars; one submission).

Conditions:
Spastic paraplegia. Identifiers: MedGen C0037772, HP:0001258.

gnomAD v4.1: 1 of 1,209,180 alleles (0.000083%); no homozygotes.

Submission:

Labcorp Genetics (formerly Invitae), Labcorp
Classification: Uncertain significance for Spastic paraplegia. Last evaluated: 2023-08-07. Review status: criteria provided, single submitter. Criteria: Invitae Variant Classification Sherloc (09022015). Collection method: clinical testing. Allele origin: germline.
Comment: In summary, the available evidence is currently insufficient to determine the role of this variant in disease. Therefore, it has been classified as a Variant of Uncertain Significance. Advanced modeling of protein sequence and biophysical properties (such as structural, functional, and spatial information, amino acid conservation, physicochemical variation, residue mobility, and thermodynamic stability) performed at Invitae indicates that this missense variant is not expected to disrupt KDM5C protein function. This variant has not been reported in the literature in individuals affected with KDM5C-related conditions. This variant is not present in population databases (gnomAD no frequency). This sequence change replaces asparagine, which is neutral and polar, with aspartic acid, which is acidic and polar, at codon 1522 of the KDM5C protein (p.Asn1522Asp).

NM_004187.5(KDM5C):c.4564A>G (p.Asn1522Asp)

Gene: KDM5C (lysine demethylase 5C; minus strand). Cytogenetic location: Xp11.22.
Variant type: single nucleotide variant.
Coding change: c.4564A>G on transcript NM_004187.5 (MANE Select); coding-DNA position 4564, A replaced by G.
Protein change: p.Asn1522Asp; replaces asparagine 1522 with aspartic acid.
Molecular consequence: missense variant. On other transcripts: intron variant (5).
Genome position (GRCh38, 1-based): chrX:53,193,086, T>C on the plus strand (A>G on the coding strand, the complement: KDM5C is on the minus strand). VCF-style: chrX-53193086-T-C. GRCh37 (hg19) VCF-style: chrX-53222268-T-C.
Other names: c.4561A>G, p.Asn1521Asp (NM_001282622.3); c.4555A>G, p.Asn1519Asp (NM_001353978.3); c.4305+351A>G (NM_001353982.2); c.4314+351A>G (NM_001353979.2); c.4308+351A>G (NM_001353981.2, NM_001353984.2); c.4047-249A>G (NM_001146702.2); short protein forms N1521D, N1519D, N1522D.
Identifiers: ClinVar variation 2891163 (VCV002891163.3), dbSNP rs2519361813, ClinGen allele CA413102377.